The following is an entry in ClinVar:

ClinVar aggregate classification (germline): Likely pathogenic. Review status: reviewed by expert panel (3 of 4 stars). 2 submissions from 2 submitters: Likely pathogenic (1). 1 of the submissions does not count toward it. Last evaluated 2023-11-02.

Conditions:
Glanzmann thrombasthenia 1 (GT1). Also called: BLEEDING DISORDER, PLATELET-TYPE, 2; GP IIb-IIIa COMPLEX DEFICIENCY; GLYCOPROTEIN COMPLEX IIb-IIIa DEFICIENCY; PLATELET FIBRINOGEN RECEPTOR DEFICIENCY. Identifiers: MedGen CN300358, MONDO:0031332, OMIM 273800.
Glanzmann thrombasthenia. Also called: THROMBASTHENIA OF GLANZMANN AND NAEGELI; Thrombasthenia; Glanzmann's thrombasthenia; PLATELET GLYCOPROTEIN IIb-IIIa DEFICIENCY. Identifiers: Orphanet 849, MedGen C0040015, MONDO:0100326.

Allele frequency attached by ClinVar (database versions not stated): gnomAD exomes below 0.00001; ExAC 0.00001.
gnomAD v4.1: 2 of 1,613,346 alleles (0.00012%); highest among the groups gnomAD compares: East Asian, 0.0022%; no homozygotes.

Submissions (2):

ClinGen Platelet Disorders Variant Curation Expert Panel, ClinGen
Classification: Likely pathogenic for Glanzmann thrombasthenia. Last evaluated: 2023-11-02. Review status: reviewed by expert panel. Criteria: ClinGen Platelet ACMG Specifications v2-1. Collection method: curation. Allele origin: germline. Inheritance: Autosomal recessive inheritance.
Comment: The NM_000419.5(ITGA2B):c.886G>A (p.Gly296Arg) variant has been reported in two compound heterozygous individual with the pathogenic Gln228Ter and likely pathogenic Glu145del variants, phase unknown (PMID: 16463284, PMID: 29675921; PM3_supporting). Patient GT32 of PMID: 29675921 meets the criteria for PP4_Strong; including mucocutaneous bleeding, impaired aggregation with all agonists except ristocetin, and reduced surface expression of αIIbβ3 measured by flow cytometry. ITGA2B and ITGB3 were sequenced across all exons and intron/exon boundaries. The prevalence in gnomAD is 1/18334 which is less than 1/10,000; therefore, PM2_supporting is met. In summary, the variant is classified as likely pathogenic for Glanzmann thrombasthenia. GT-specific criteria applied: PM2_Supporting, PP4_Strong, PM3_Supporting.

ISTH-SSC Genomics in Thrombosis and Hemostasis, KU Leuven, Center for Molecular and Vascular Biology
Classification: Uncertain significance for Glanzmann thrombasthenia 1. Review status: no assertion criteria provided. Collection method: research. Allele origin: unknown. Affected: yes. Not counted in ClinVar's aggregate classification.
Comment: Submitted to GoldVariant by Neil Morgan from Birmingham Platelet Group, Birmingham, UK

NM_000419.5(ITGA2B):c.886G>A (p.Gly296Arg)

Gene: ITGA2B (integrin subunit alpha 2b; minus strand). Cytogenetic location: 17q21.31.
Variant type: single nucleotide variant.
Coding change: c.886G>A on transcript NM_000419.5 (MANE Select); coding-DNA position 886, G replaced by A.
Protein change: p.Gly296Arg; replaces glycine 296 with arginine.
Molecular consequence: missense variant.
Genome position (GRCh38, 1-based): chr17:44,384,316, C>T on the plus strand (G>A on the coding strand, the complement: ITGA2B is on the minus strand). VCF-style: chr17-44384316-C-T. GRCh37 (hg19) VCF-style: chr17-42461684-C-T.
Other names: short protein forms G296R.
Identifiers: ClinVar variation 953040 (VCV000953040.5), dbSNP rs753264426, ClinGen allele CA8603306.